The following is an entry in ClinVar:

ClinVar aggregate classification (germline): Uncertain significance (1 of 4 stars; one submission).

Conditions:
Meckel-Gruber syndrome. Also called: GRUBER SYNDROME; DYSENCEPHALIA SPLANCHNOCYSTICA; Dysencephalia splachnocystica. Identifiers: Orphanet 564, MedGen C0265215, MONDO:0018921.
Joubert syndrome. Also called: Familial aplasia of the vermis; JOUBERT-BOLTSHAUSER SYNDROME; CEREBELLOPARENCHYMAL DISORDER IV. Identifiers: Orphanet 475, MedGen C5979921, MONDO:0018772.
Nephronophthisis. Also called: Juvenile Nephronophthisis. Identifiers: Orphanet 655, MedGen C0687120, MONDO:0019005, HP:0000090.

gnomAD v4.1: 3 of 1,613,592 alleles (0.00019%); highest among the groups gnomAD compares: South Asian, 0.0011%; no homozygotes.

Submission:

Labcorp Genetics (formerly Invitae), Labcorp
Classification: Uncertain significance for Joubert syndrome; Meckel-Gruber syndrome; Nephronophthisis. Last evaluated: 2025-12-08. Review status: criteria provided, single submitter. Criteria: Invitae Variant Classification Sherloc (09022015). Collection method: clinical testing. Allele origin: germline.
Comment: This sequence change replaces valine, which is neutral and non-polar, with isoleucine, which is neutral and non-polar, at codon 1687 of the CEP290 protein (p.Val1687Ile). This variant is not present in population databases (gnomAD no frequency). This variant has not been reported in the literature in individuals affected with CEP290-related conditions. Invitae Evidence Modeling of protein sequence and biophysical properties (such as structural, functional, and spatial information, amino acid conservation, physicochemical variation, residue mobility, and thermodynamic stability) indicates that this missense variant is not expected to disrupt CEP290 protein function with a negative predictive value of 80%. In summary, the available evidence is currently insufficient to determine the role of this variant in disease. Therefore, it has been classified as a Variant of Uncertain Significance.

NM_025114.4(CEP290):c.5059G>A (p.Val1687Ile)

Gene: CEP290 (centrosomal protein 290; minus strand). Cytogenetic location: 12q21.32.
Variant type: single nucleotide variant.
Coding change: c.5059G>A on transcript NM_025114.4 (MANE Select); coding-DNA position 5059, G replaced by A.
Protein change: p.Val1687Ile; replaces valine 1687 with isoleucine.
Molecular consequence: missense variant.
Genome position (GRCh38, 1-based): chr12:88,080,349, C>T on the plus strand (G>A on the coding strand, the complement: CEP290 is on the minus strand). VCF-style: chr12-88080349-C-T. GRCh37 (hg19) VCF-style: chr12-88474126-C-T.
Other names: short protein forms V1687I.
Identifiers: ClinVar variation 4792947 (VCV004792947.1).